The following is an entry in ClinVar:

ClinVar aggregate classification (germline): Uncertain significance (1 of 4 stars; one submission).

Conditions:
Congenital myopathy with internal nuclei and atypical cores. Also called: Myopathy, centronuclear, 4. Identifiers: Orphanet 319160, MedGen C4707232, MONDO:0013890, OMIM 614807.

Submission:

Labcorp Genetics (formerly Invitae), Labcorp
Classification: Uncertain significance for Congenital myopathy with internal nuclei and atypical cores. Last evaluated: 2025-03-27. Review status: criteria provided, single submitter. Criteria: Invitae Variant Classification Sherloc (09022015). Collection method: clinical testing. Allele origin: germline.
Comment: This sequence change affects a donor splice site in intron 11 of the CCDC78 gene. It is expected to disrupt RNA splicing. Variants that disrupt the donor or acceptor splice site typically lead to a loss of protein function (PMID: 16199547), however the current clinical and genetic evidence is not sufficient to establish whether loss-of-function variants in CCDC78 cause disease. This variant is not present in population databases (gnomAD no frequency). This variant has not been reported in the literature in individuals affected with CCDC78-related conditions. Algorithms developed to predict the effect of sequence changes on RNA splicing suggest that this variant may disrupt the consensus splice site. In summary, the available evidence is currently insufficient to determine the role of this variant in disease. Therefore, it has been classified as a Variant of Uncertain Significance.

Literature cited by the submitters: PubMed 16199547.

NM_001378030.1(CCDC78):c.1133+2T>G

Gene: CCDC78 (coiled-coil domain containing 78; minus strand). Cytogenetic location: 16p13.3.
Variant type: single nucleotide variant.
Coding change: c.1133+2T>G on transcript NM_001378030.1 (MANE Select); the canonical splice donor site of the intron after coding-DNA position 1133, T replaced by G.
Molecular consequence: splice donor variant. On other transcripts: intron variant (1).
Genome position (GRCh38, 1-based): chr16:723,855, A>C on the plus strand (T>G on the coding strand, the complement: CCDC78 is on the minus strand). VCF-style: chr16-723855-A-C. GRCh37 (hg19) VCF-style: chr16-773855-A-C.
Other names: c.566+2T>G (NM_001378033.1); c.953+467T>G (NM_001378031.1); c.1133+2T>G (NM_001031737.3).
Identifiers: ClinVar variation 4708493 (VCV004708493.1).